The following is an entry in ClinVar:

ClinVar aggregate classification (germline): Likely benign (1 of 4 stars; one submission).

Submission:

CeGaT Center for Human Genetics Tuebingen
Classification: Likely benign. Last evaluated: 2022-03-01. Review status: criteria provided, single submitter. Criteria: CeGaT Center For Human Genetics Tuebingen Variant Classification Criteria Version 2. Collection method: clinical testing. Allele origin: germline. Affected: yes. Observed: 1 variant allele.
Comment: ATN1: PM2:Supporting, BP4, BP7

NM_001940.4(ATN1):c.2925G>C (p.Gly975=)

Gene: ATN1 (atrophin 1; plus strand). Cytogenetic location: 12p13.31.
Variant type: single nucleotide variant.
Coding change: c.2925G>C on transcript NM_001940.4 (MANE Select); coding-DNA position 2925, G replaced by C.
Protein change: p.Gly975=; no amino-acid change (glycine 975 retained).
Molecular consequence: synonymous variant.
Genome position (GRCh38, 1-based): chr12:6,938,888, G>C. VCF-style: chr12-6938888-G-C. GRCh37 (hg19) VCF-style: chr12-7048051-G-C.
Other names: c.2925G>C, p.Gly975= (NM_001007026.2, NM_001424176.1, NM_001424177.1 and 1 more transcripts); c.2922G>C, p.Gly974= (NM_001424179.1, NM_001424180.1); c.2904G>C, p.Gly968= (NM_001424181.1); c.2901G>C, p.Gly967= (NM_001424182.1).
Identifiers: ClinVar variation 2642657 (VCV002642657.24), dbSNP rs2138219453, ClinGen allele CA478519791.
Genomic context (GRCh38, chr12:6,938,888, plus strand): 5'-TGAGCTGGAACCCCTACATGGGGTCCCTGGGCCGGGCTTGGATCCCTTTCCCCGACATGG[G>C]GGCCTGGCTCTGCAGCCTGGCCCACCTGGCCTGCACCCTTTCCCCTTTCATCCGAGCCTG-3'
Protein context (NP_001931.2, residues 965-985): GPGLDPFPRH[Gly975=]GLALQPGPPG